The following is an entry in ClinVar:

NM_002474.3(MYH11):c.3034A>G (p.Thr1012Ala)

Gene: MYH11 (myosin heavy chain 11; minus strand). Cytogenetic location: 16p13.11.
Variant type: single nucleotide variant.
Coding change: c.3034A>G on transcript NM_002474.3 (MANE Select); coding-DNA position 3034, A replaced by G.
Protein change: p.Thr1012Ala; replaces threonine 1012 with alanine.
Molecular consequence: missense variant.
Genome position (GRCh38, 1-based): chr16:15,738,652, T>C on the plus strand (A>G on the coding strand, the complement: MYH11 is on the minus strand). VCF-style: chr16-15738652-T-C. GRCh37 (hg19) VCF-style: chr16-15832509-T-C.
Other names: c.3055A>G, p.Thr1019Ala (NM_001040113.2, NM_001040114.2); c.3034A>G, p.Thr1012Ala (NM_022844.3); short protein forms T1012A, T1019A.
Identifiers: ClinVar variation 3070848 (VCV003070848.2), dbSNP rs2506191967, ClinGen allele CA394863974.

ClinVar aggregate classification (germline): Uncertain significance. Review status: criteria provided, multiple submitters, no conflicts (2 of 4 stars). 2 submissions from 2 submitters: Uncertain significance (2). Last evaluated 2023-12-29.

Conditions:
Familial thoracic aortic aneurysm and aortic dissection (TAAD). Also called: Thoracic aortic aneurysms and dissections. Identifiers: Orphanet 91387, MedGen C4707243, MONDO:0019625.

Submissions (2):

Ambry Genetics
Classification: Uncertain significance for Familial thoracic aortic aneurysm and aortic dissection. Last evaluated: 2023-12-29. Review status: criteria provided, single submitter. Criteria: Ambry Variant Classification Scheme 2023. Collection method: clinical testing. Allele origin: germline.
Comment: The p.T1012A variant (also known as c.3034A>G), located in coding exon 23 of the MYH11 gene, results from an A to G substitution at nucleotide position 3034. The threonine at codon 1012 is replaced by alanine, an amino acid with similar properties. This amino acid position is conserved. In addition, this alteration is predicted to be tolerated by in silico analysis. Since supporting evidence is limited at this time, the clinical significance of this alteration remains unclear.

All of Us Research Program, National Institutes of Health
Classification: Uncertain significance for Familial thoracic aortic aneurysm and aortic dissection. Last evaluated: 2023-05-04. Review status: criteria provided, single submitter. Criteria: ACMG Guidelines, 2015. Collection method: clinical testing. Allele origin: germline. Inheritance: Autosomal dominant inheritance. Observed: 1 variant allele, 1 heterozygote.
Comment: This missense variant replaces threonine with alanine at codon 1019 of the MYH11 protein. Computational prediction suggests that this variant may not impact protein structure and function (internally defined REVEL score threshold <= 0.5, PMID: 27666373). To our knowledge, functional studies have not been reported for this variant. This variant has not been reported in individuals affected with MYH11-related disorders in the literature. This variant has not been identified in the general population by the Genome Aggregation Database (gnomAD). The available evidence is insufficient to determine the role of this variant in disease conclusively. Therefore, this variant is classified as a Variant of Uncertain Significance.

This study involves interpretation of variants in research participants for the purpose of population health screening. Participant phenotype was not available at the time of variant classification. Additional details can be found in publication PMID: 35346344, PMCID: PMC8962531